The following is an entry in ClinVar:

NM_000384.3(APOB):c.10541C>T (p.Ala3514Val)

Gene: APOB (apolipoprotein B; minus strand). Cytogenetic location: 2p24.1.
Variant type: single nucleotide variant.
Coding change: c.10541C>T on transcript NM_000384.3 (MANE Select); coding-DNA position 10541, C replaced by T.
Protein change: p.Ala3514Val; replaces alanine 3514 with valine.
Molecular consequence: missense variant.
Genome position (GRCh38, 1-based): chr2:21,006,327, G>A on the plus strand (C>T on the coding strand, the complement: APOB is on the minus strand). VCF-style: chr2-21006327-G-A. GRCh37 (hg19) VCF-style: chr2-21229199-G-A.
Other names: short protein forms A3514V.
Identifiers: ClinVar variation 632644 (VCV000632644.8), dbSNP rs1450324476, ClinGen allele CA345986282.
Genomic context (GRCh38, chr2:21,006,327, plus strand): 5'-CCCTGCAGCTTCACTGAAGACCGTGTGCTCTTGGAATTCAAGTAAGTGTTGGCCTCACTA[G>A]CAATAGTTCCTGAATATTCCCGAGAAAGAACCGAACCCTTGACATCTCCTTTGGTAGATG-3'
Protein context (NP_000375.3, residues 3504-3524): VLSREYSGTI[Ala3514Val]SEANTYLNSK

ClinVar aggregate classification (germline): Conflicting classifications of pathogenicity. Review status: criteria provided, conflicting classifications (1 of 4 stars). 3 submissions from 3 submitters: Uncertain significance (2); Likely benign (1). Last evaluated 2025-12-16.

Conditions:
Hypercholesterolemia, autosomal dominant, type B (FHCL2). Also called: APOB-Related Familial Hypercholesterolemia, Autosomal Dominant; Hyperlipoproteinemia Type IIb; Familial Hypercholesterolemia Type B; APOLIPOPROTEIN B-100, FAMILIAL DEFECTIVE; APOLIPOPROTEIN B-100, FAMILIAL LIGAND-DEFECTIVE; Familial hypercholesterolemia 2. Identifiers: MedGen C1704417, MONDO:0007751, OMIM 144010.
Familial hypobetalipoproteinemia 1. Also called: APOB-Related Familial Hypobetalipoproteinemia; Hypobetalipoproteinemia, normotriglyceridemic; Acanthocytosis with hypobetalipoproteinemia. Identifiers: MedGen C4551990, MONDO:0014252, OMIM 615558.
Cardiovascular phenotype. Identifiers: MedGen CN230736.

Allele frequency attached by ClinVar (database versions not stated): TOPMed 0.00002; gnomAD 0.00003; gnomAD exomes 0.00001.
gnomAD v4.1: 25 of 1,613,958 alleles (0.0015%); highest among the groups gnomAD compares: Non-Finnish European, 0.0019%; no homozygotes.

Submissions (3):

Ambry Genetics
Classification: Uncertain significance for Cardiovascular phenotype. Last evaluated: 2025-12-16. Review status: criteria provided, single submitter. Criteria: Ambry Variant Classification Scheme 2023. Collection method: clinical testing. Allele origin: germline.
Comment: The p.A3514V variant (also known as c.10541C>T), located in coding exon 26 of the APOB gene, results from a C to T substitution at nucleotide position 10541. The alanine at codon 3514 is replaced by valine, an amino acid with similar properties. This amino acid position is conserved. In addition, this alteration is predicted to be tolerated by in silico analysis. Since supporting evidence is limited at this time, the clinical significance of this alteration remains unclear.

Labcorp Genetics (formerly Invitae), Labcorp
Classification: Likely benign for Familial hypobetalipoproteinemia 1; Hypercholesterolemia, autosomal dominant, type B. Last evaluated: 2025-04-01. Review status: criteria provided, single submitter. Criteria: Invitae Variant Classification Sherloc (09022015). Collection method: clinical testing. Allele origin: germline.

Women's Health and Genetics/Laboratory Corporation of America, LabCorp
Classification: Uncertain significance. Last evaluated: 2018-03-12. Review status: criteria provided, single submitter. Criteria: LabCorp Variant Classification Summary - May 2015. Collection method: clinical testing. Allele origin: germline.
Comment: Variant summary: APOB c.10541C>T (p.Ala3514Val) results in a non-conservative amino acid change in the encoded protein sequence. Four of five in-silico tools predict a benign effect of the variant on protein function. The variant was absent in 121156 control chromosomes. The available data on variant occurrences in the general population are insufficient to allow any conclusion about variant significance. To our knowledge, no occurrence of c.10541C>T in individuals affected with Familial Hypercholesterolemia and no experimental evidence demonstrating its impact on protein function have been reported. No clinical diagnostic laboratories have submitted clinical-significance assessments for this variant to ClinVar after 2014. Based on the evidence outlined above, the variant was classified as uncertain significance.